The following is an entry in ClinVar:

NM_004260.4(RECQL4):c.2995G>C (p.Glu999Gln)

Gene: RECQL4 (RecQ like helicase 4; minus strand). Cytogenetic location: 8q24.3.
Variant type: single nucleotide variant.
Coding change: c.2995G>C on transcript NM_004260.4 (MANE Select); coding-DNA position 2995, G replaced by C.
Protein change: p.Glu999Gln; replaces glutamic acid 999 with glutamine.
Molecular consequence: missense variant. On other transcripts: non-coding transcript variant (3).
Genome position (GRCh38, 1-based): chr8:144,512,452, C>G on the plus strand (G>C on the coding strand, the complement: RECQL4 is on the minus strand). VCF-style: chr8-144512452-C-G. GRCh37 (hg19) VCF-style: chr8-145737835-C-G.
Other names: c.2701G>C, p.Glu901Gln (NM_001413017.1); c.2797G>C, p.Glu933Gln (NM_001413018.1); c.3070G>C, p.Glu1024Gln (NM_001413019.1); c.2899G>C, p.Glu967Gln (NM_001413020.1); c.1924G>C, p.Glu642Gln (NM_001413021.1, NM_001413022.1, NM_001413024.1 and 4 more transcripts); c.1999G>C, p.Glu667Gln (NM_001413023.1); c.2866G>C, p.Glu956Gln (NM_001413025.1); c.1858G>C, p.Glu620Gln (NM_001413027.1, NM_001413030.1, NM_001413032.1); and 9 more; short protein forms E1024Q, E576Q, E882Q, E901Q, E989Q, E510Q, E620Q, E955Q.
Identifiers: ClinVar variation 2727547 (VCV002727547.3), dbSNP rs2537985345, ClinGen allele CA372672825.

ClinVar aggregate classification (germline): Uncertain significance (1 of 4 stars; one submission).

Conditions:
Baller-Gerold syndrome (BGS). Also called: CRANIOSYNOSTOSIS WITH RADIAL DEFECTS. Identifiers: Orphanet 1225, MedGen C0265308, MONDO:0009039, OMIM 218600.

Submission:

Labcorp Genetics (formerly Invitae), Labcorp
Classification: Uncertain significance for Baller-Gerold syndrome. Last evaluated: 2022-11-15. Review status: criteria provided, single submitter. Criteria: Invitae Variant Classification Sherloc (09022015). Collection method: clinical testing. Allele origin: germline.
Comment: In summary, the available evidence is currently insufficient to determine the role of this variant in disease. Therefore, it has been classified as a Variant of Uncertain Significance. Advanced modeling of protein sequence and biophysical properties (such as structural, functional, and spatial information, amino acid conservation, physicochemical variation, residue mobility, and thermodynamic stability) performed at Invitae indicates that this missense variant is not expected to disrupt RECQL4 protein function. This variant has not been reported in the literature in individuals affected with RECQL4-related conditions. This variant is not present in population databases (gnomAD no frequency). This sequence change replaces glutamic acid, which is acidic and polar, with glutamine, which is neutral and polar, at codon 999 of the RECQL4 protein (p.Glu999Gln).